The following is an entry in ClinVar:

NM_003579.4(RAD54L):c.274C>A (p.Pro92Thr)

Gene: RAD54L (RAD54 like; plus strand). Cytogenetic location: 1p34.1.
Variant type: single nucleotide variant.
Coding change: c.274C>A on transcript NM_003579.4 (MANE Select); coding-DNA position 274, C replaced by A.
Protein change: p.Pro92Thr; replaces proline 92 with threonine.
Molecular consequence: missense variant. On other transcripts: 5 prime UTR variant (1).
Genome position (GRCh38, 1-based): chr1:46,259,966, C>A. VCF-style: chr1-46259966-C-A. GRCh37 (hg19) VCF-style: chr1-46725638-C-A.
Other names: c.274C>A, p.Pro92Thr (NM_001142548.2); c.-267C>A (NM_001370766.1); short protein forms P92T.
Identifiers: ClinVar variation 1795523 (VCV001795523.2), dbSNP rs2148286892, ClinGen allele CA340181488.

ClinVar aggregate classification (germline): Uncertain significance (1 of 4 stars; one submission).

Submission:

Ambry Genetics
Classification: Uncertain significance. Last evaluated: 2024-03-28. Review status: criteria provided, single submitter. Criteria: Ambry Variant Classification Scheme 2023. Collection method: clinical testing. Allele origin: germline.
Comment: The p.P92T variant (also known as c.274C>A), located in coding exon 5 of the RAD54L gene, results from a C to A substitution at nucleotide position 274. The proline at codon 92 is replaced by threonine, an amino acid with highly similar properties. This amino acid position is conserved. In addition, this alteration is predicted to be tolerated by in silico analysis. Since supporting evidence is limited at this time, the clinical significance of this alteration remains unclear.